The following is an entry in ClinVar:

NM_001040108.2(MLH3):c.4052T>C (p.Leu1351Pro)

Gene: MLH3 (mutL homolog 3; minus strand). Cytogenetic location: 14q24.3.
Variant type: single nucleotide variant.
Coding change: c.4052T>C on transcript NM_001040108.2 (MANE Select); coding-DNA position 4052, T replaced by C.
Protein change: p.Leu1351Pro; replaces leucine 1351 with proline.
Molecular consequence: missense variant.
Genome position (GRCh38, 1-based): chr14:75,022,852, A>G on the plus strand (T>C on the coding strand, the complement: MLH3 is on the minus strand). VCF-style: chr14-75022852-A-G. GRCh37 (hg19) VCF-style: chr14-75489555-A-G.
Other names: c.3980T>C, p.Leu1327Pro (NM_014381.3); short protein forms L1327P, L1351P.
Identifiers: ClinVar variation 4552064 (VCV004552064.1).

ClinVar aggregate classification (germline): Uncertain significance (1 of 4 stars; one submission).

Submission:

Ambry Genetics
Classification: Uncertain significance. Last evaluated: 2025-09-19. Review status: criteria provided, single submitter. Criteria: Ambry Variant Classification Scheme 2023. Collection method: clinical testing. Allele origin: germline.
Comment: The p.L1351P variant (also known as c.4052T>C), located in coding exon 10 of the MLH3 gene, results from a T to C substitution at nucleotide position 4052. The leucine at codon 1351 is replaced by proline, an amino acid with similar properties. This amino acid position is conserved. In addition, this alteration is predicted to be deleterious by in silico analysis. Based on the available evidence, the clinical significance of this variant remains unclear.